The following is an entry in ClinVar:

NM_201384.3(PLEC):c.13438G>A (p.Val4480Ile)

Gene: PLEC (plectin; minus strand). Cytogenetic location: 8q24.3.
Variant type: single nucleotide variant.
Coding change: c.13438G>A on transcript NM_201384.3 (MANE Select); coding-DNA position 13438, G replaced by A.
Protein change: p.Val4480Ile; replaces valine 4480 with isoleucine.
Molecular consequence: missense variant.
Genome position (GRCh38, 1-based): chr8:143,916,383, C>T on the plus strand (G>A on the coding strand, the complement: PLEC is on the minus strand). VCF-style: chr8-143916383-C-T. GRCh37 (hg19) VCF-style: chr8-144990551-C-T.
Other names: c.13519G>A, p.Val4507Ile (NM_000445.5); c.13396G>A, p.Val4466Ile (NM_201378.4); c.13372G>A, p.Val4458Ile (NM_201379.3); c.13849G>A, p.Val4617Ile (NM_201380.4); c.13342G>A, p.Val4448Ile (NM_201381.3); c.13438G>A, p.Val4480Ile (NM_201382.4); c.13450G>A, p.Val4484Ile (NM_201383.3); c.13519G>A (NM_000445.3); short protein forms V4507I, V4617I, V4448I, V4458I, V4484I, V4466I, V4480I.
Identifiers: ClinVar variation 1422226 (VCV001422226.9), dbSNP rs896023315, ClinGen allele CA187606085.

ClinVar aggregate classification (germline): Uncertain significance. Review status: criteria provided, multiple submitters, no conflicts (2 of 4 stars). 2 submissions from 2 submitters: Uncertain significance (2). Last evaluated 2025-11-08.

Conditions:
Inborn genetic diseases. Identifiers: MedGen C0950123, MeSH D030342.
Epidermolysis bullosa simplex 5B, with muscular dystrophy (EBS5B). Also called: EPIDERMOLYSIS BULLOSA SIMPLEX AND LIMB-GIRDLE MUSCULAR DYSTROPHY; Epidermolysis bullosa simplex with muscular dystrophy. Identifiers: Orphanet 257, MedGen C2931072, MONDO:0009181, OMIM 226670.
Epidermolysis bullosa simplex, Ogna type (EBS5A). Also called: Pidermolysis bullosa simplex 5A, Ogna type; EPIDERMOLYSIS BULLOSA SIMPLEX 5A, OGNA TYPE. Identifiers: Orphanet 79401, MedGen C0432317, MONDO:0007555, OMIM 131950.
Epidermolysis bullosa simplex with nail dystrophy (EBS5D). Identifiers: MedGen C4225309, MONDO:0014661, OMIM 616487.
Epidermolysis bullosa simplex 5C, with pyloric atresia (EBS5C). Also called: PLEC1-Related Epidermolysis Bullosa with Pyloric Atresia; Epidermolysis bullosa simplex with pyloric atresia; PLEC-Related Epidermolysis Bullosa with Pyloric Atresia. Identifiers: Orphanet 158684, MedGen C2677349, MONDO:0012807, OMIM 612138.
Autosomal recessive limb-girdle muscular dystrophy type 2Q (LGMDR17). Also called: MUSCULAR DYSTROPHY, LIMB-GIRDLE, AUTOSOMAL RECESSIVE 17. Identifiers: Orphanet 254361, MedGen C3150989, MONDO:0013390, OMIM 613723.

Allele frequency attached by ClinVar (database versions not stated): gnomAD exomes 0.00001.
gnomAD v4.1: 18 of 1,610,674 alleles (0.0011%); highest among the groups gnomAD compares: Admixed American, 0.005%; no homozygotes.

Submissions (2):

Ambry Genetics
Classification: Uncertain significance for Inborn genetic diseases. Last evaluated: 2025-11-08. Review status: criteria provided, single submitter. Criteria: Ambry Variant Classification Scheme 2023. Collection method: clinical testing. Allele origin: germline.

Labcorp Genetics (formerly Invitae), Labcorp
Classification: Uncertain significance for Autosomal recessive limb-girdle muscular dystrophy type 2Q; Epidermolysis bullosa simplex, Ogna type; Epidermolysis bullosa simplex with nail dystrophy; Epidermolysis bullosa simplex 5C, with pyloric atresia; Epidermolysis bullosa simplex 5B, with muscular dystrophy. Last evaluated: 2025-06-12. Review status: criteria provided, single submitter. Criteria: Invitae Variant Classification Sherloc (09022015). Collection method: clinical testing. Allele origin: germline.
Comment: This sequence change replaces valine, which is neutral and non-polar, with isoleucine, which is neutral and non-polar, at codon 4507 of the PLEC protein (p.Val4507Ile). This variant is present in population databases (no rsID available, gnomAD 0.006%). This variant has not been reported in the literature in individuals affected with PLEC-related conditions. ClinVar contains an entry for this variant (Variation ID: 1422226). Invitae Evidence Modeling of protein sequence and biophysical properties (such as structural, functional, and spatial information, amino acid conservation, physicochemical variation, residue mobility, and thermodynamic stability) indicates that this missense variant is not expected to disrupt PLEC protein function with a negative predictive value of 80%. In summary, the available evidence is currently insufficient to determine the role of this variant in disease. Therefore, it has been classified as a Variant of Uncertain Significance.